The following is an entry in ClinVar:

NM_000122.2(ERCC3):c.172G>A (p.Ala58Thr)

Gene: ERCC3 (ERCC excision repair 3, TFIIH core complex helicase subunit; minus strand). Cytogenetic location: 2q14.3.
Variant type: single nucleotide variant.
Coding change: c.172G>A on transcript NM_000122.2 (MANE Select); coding-DNA position 172, G replaced by A.
Protein change: p.Ala58Thr; replaces alanine 58 with threonine.
Molecular consequence: missense variant. On other transcripts: 5 prime UTR variant (2).
Genome position (GRCh38, 1-based): chr2:127,293,575, C>T on the plus strand (G>A on the coding strand, the complement: ERCC3 is on the minus strand). VCF-style: chr2-127293575-C-T. GRCh37 (hg19) VCF-style: chr2-128051151-C-T.
Other names: c.-21G>A (NM_001303416.2, NM_001303418.2); short protein forms A58T.
Identifiers: ClinVar variation 134124 (VCV000134124.1), dbSNP rs587778277, ClinGen allele CA158839.

ClinVar aggregate classification (germline): not provided (0 of 4 stars; one submission).

Submission:

ITMI
No classification provided. Condition: AllHighlyPenetrant. Last evaluated: 2013-09-19. Review status: no classification provided. Collection method: reference population. Allele origin: germline.
Comment: Please see associated publication for description of ethnicities

Literature cited by the submitters: PubMed 24728327.